The following is an entry in ClinVar:

NM_053025.4(MYLK):c.3160A>G (p.Lys1054Glu)

Gene: MYLK (myosin light chain kinase; minus strand). Cytogenetic location: 3q21.1.
Variant type: single nucleotide variant.
Coding change: c.3160A>G on transcript NM_053025.4 (MANE Select); coding-DNA position 3160, A replaced by G.
Protein change: p.Lys1054Glu; replaces lysine 1054 with glutamic acid.
Molecular consequence: missense variant.
Genome position (GRCh38, 1-based): chr3:123,700,308, T>C on the plus strand (A>G on the coding strand, the complement: MYLK is on the minus strand). VCF-style: chr3-123700308-T-C. GRCh37 (hg19) VCF-style: chr3-123419155-T-C.
Other names: c.2632A>G, p.Lys878Glu (NM_001321309.2); c.2953A>G, p.Lys985Glu (NM_053026.4, NM_053028.4); c.3160A>G, p.Lys1054Glu (NM_053027.4); short protein forms K878E, K985E, K1054E.
Identifiers: ClinVar variation 3876595 (VCV003876595.1).
Genomic context (GRCh38, chr3:123,700,308, plus strand): 5'-CATTCTTAACGTCTTTCTTGAGTTCTTCTTTGCTAGCGGATTTCAGGTTCTCATCAGGCT[T>C]GGCATTGCCCATGGGCTTCAGGGTCTCGGCAGGCTTGGCGTTGCCCATTGGCTTCAGGGT-3'
Protein context (NP_444253.3, residues 1044-1064): AETLKPMGNA[Lys1054Glu]PDENLKSASK

ClinVar aggregate classification (germline): Uncertain significance (1 of 4 stars; one submission).

Conditions:
Familial thoracic aortic aneurysm and aortic dissection (TAAD). Also called: Thoracic aortic aneurysms and dissections. Identifiers: Orphanet 91387, MedGen C4707243, MONDO:0019625.

Submission:

Ambry Genetics
Classification: Uncertain significance for Familial thoracic aortic aneurysm and aortic dissection. Last evaluated: 2025-03-14. Review status: criteria provided, single submitter. Criteria: Ambry Variant Classification Scheme 2023. Collection method: clinical testing. Allele origin: germline.
Comment: The p.K1054E variant (also known as c.3160A>G), located in coding exon 15 of the MYLK gene, results from an A to G substitution at nucleotide position 3160. The lysine at codon 1054 is replaced by glutamic acid, an amino acid with similar properties. This amino acid position is conserved. In addition, this alteration is predicted to be tolerated by in silico analysis. Based on the available evidence, the clinical significance of this variant remains unclear.